The following is an entry in ClinVar:

ClinVar aggregate classification (germline): Pathogenic (1 of 4 stars; one submission).

Conditions:
Early-infantile DEE. Also called: Early infantile epileptic encephalopathy; Early infantile epileptic encephalopathy with suppression bursts; Ohtahara syndrome. Identifiers: Orphanet 1934, MedGen C0393706, MONDO:0800491.

Submission:

Labcorp Genetics (formerly Invitae), Labcorp
Classification: Pathogenic for Early-infantile DEE. Last evaluated: 2017-12-08. Review status: criteria provided, single submitter. Criteria: Invitae Variant Classification Sherloc (09022015). Collection method: clinical testing. Allele origin: germline.
Comment: For these reasons, this variant has been classified as Pathogenic. Loss-of-function variants in SCN1A are known to be pathogenic (PMID: 17347258, 18930999). Algorithms developed to predict the effect of sequence changes on RNA splicing suggest that this variant may create or strengthen a splice site, but this prediction has not been confirmed by published transcriptional studies. This variant has not been reported in the literature in individuals with SCN1A-related disease. This variant is not present in population databases (ExAC no frequency). This sequence change creates a premature translational stop signal (p.Tyr426*) in the SCN1A gene. It is expected to result in an absent or disrupted protein product.

Literature cited by the submitters: PubMed 17347258; PubMed 18930999.

NM_001165963.4(SCN1A):c.1278C>G (p.Tyr426Ter)

Gene: SCN1A (sodium voltage-gated channel alpha subunit 1; minus strand). Cytogenetic location: 2q24.3.
Variant type: single nucleotide variant.
Coding change: c.1278C>G on transcript NM_001165963.4 (MANE Select); coding-DNA position 1278, C replaced by G.
Protein change: p.Tyr426Ter; replaces tyrosine 426 with a stop codon.
Molecular consequence: nonsense. On other transcripts: 5 prime UTR variant (1), non-coding transcript variant (1).
Genome position (GRCh38, 1-based): chr2:166,046,869, G>C on the plus strand (C>G on the coding strand, the complement: SCN1A is on the minus strand). VCF-style: chr2-166046869-G-C. GRCh37 (hg19) VCF-style: chr2-166903379-G-C.
Other names: c.1278C>G, p.Tyr426Ter (NM_001165964.3, NM_001202435.3, NM_001353948.2 and 10 more transcripts); c.-1148C>G (NM_001353961.2); short protein forms Y426*.
Identifiers: ClinVar variation 530464 (VCV000530464.7), dbSNP rs146515561, ClinGen allele CA349070799.